The following is an entry in ClinVar:

ClinVar aggregate classification (germline): Pathogenic/Likely pathogenic. Review status: criteria provided, multiple submitters, no conflicts (2 of 4 stars). 9 submissions from 9 submitters: Pathogenic (7); Likely pathogenic (2). Last evaluated 2026-03-05.

Conditions:
DNAI1-related disorders.
DNAI1-related disorder. Also called: DNAI1-related condition.
Primary ciliary dyskinesia. Also called: Ciliary dyskinesia. Identifiers: Orphanet 244, MedGen C0008780, MONDO:0016575, HP:0012265.
Kartagener syndrome (CILD1). Also called: CILIARY DYSKINESIA, PRIMARY, 1; CILIARY DYSKINESIA, PRIMARY, 1, WITH OR WITHOUT SITUS INVERSUS; IMMOTILE CILIA SYNDROME; Dextrocardia bronchiectasis and sinusitis; POLYNESIAN BRONCHIECTASIS; SIEWERT SYNDROME. Identifiers: Orphanet 244, MedGen C4551906, MONDO:0009484, OMIM 244400.

Allele frequency attached by ClinVar (database versions not stated): ExAC 0.00003; gnomAD exomes 0.00004; TOPMed 0.00005; gnomAD 0.00006; ESP Exome Variant Server 0.00015.

Submissions (9):

GeneDx
Classification: Likely pathogenic. Last evaluated: 2026-03-05. Review status: criteria provided, single submitter. Criteria: GeneDx Variant Classification Process June 2021. Collection method: clinical testing. Allele origin: germline.
Comment: Nonsense variant predicted to result in protein truncation or nonsense mediated decay in a gene for which loss-of-function is a known mechanism of disease; This variant is associated with the following publications: (PMID: 25525159, 31589614, 31345219, 21270641, 16858015, 39536325, 21143860)

Natera, Inc.
Classification: Pathogenic for Primary ciliary dyskinesia. Last evaluated: 2025-06-30. Review status: criteria provided, single submitter. Criteria: Natera Variant Classification Schema (03/2026). Collection method: clinical testing. Allele origin: germline.
Comment: The c.1644G>A variant in DNAI1 is a nonsense variant predicted to introduce a stop codon at amino acid 548. This variant is expected to result in nonsense mediated decay, truncation, or a dysfunctional protein product. This variant is rare in the general population with a frequency below the threshold expected for the associated phenotype(s). This variant has been observed in one or more individuals affected with the associated recessive disease, as either homozygous or compound heterozygous with a second variant (PMID: 21270641). Given the available evidence, this variant is classified as Pathogenic.

PreventionGenetics, part of Exact Sciences
Classification: Pathogenic for DNAI1-related condition. Last evaluated: 2025-05-15. Review status: criteria provided, single submitter. Criteria: ACMG Guidelines, 2015. Collection method: clinical testing. Allele origin: germline.
Comment: The DNAI1 c.1644G>A variant is predicted to result in premature protein termination (p.Trp548*). This variant has been documented as causative for primary ciliary dyskinesia (Zariwala et al. 2006. PubMed ID: 16858015; Berg et al. 2011. PubMed ID: 21270641). This variant is reported in 0.0077% of alleles in individuals of European (Non-Finnish) descent in gnomAD. Nonsense variants in DNAI1 are expected to be pathogenic. This variant is interpreted as pathogenic.

Labcorp Genetics (formerly Invitae), Labcorp
Classification: Pathogenic for Primary ciliary dyskinesia. Last evaluated: 2024-06-05. Review status: criteria provided, single submitter. Criteria: Invitae Variant Classification Sherloc (09022015). Collection method: clinical testing. Allele origin: germline.
Comment: This sequence change creates a premature translational stop signal (p.Trp548*) in the DNAI1 gene. It is expected to result in an absent or disrupted protein product. Loss-of-function variants in DNAI1 are known to be pathogenic (PMID: 16858015, 29363216). This variant is present in population databases (rs200669099, gnomAD 0.007%). This premature translational stop signal has been observed in individuals with primary ciliary dyskinesia (PMID: 16858015, 21270641). ClinVar contains an entry for this variant (Variation ID: 240854). For these reasons, this variant has been classified as Pathogenic.

Blueprint Genetics
Classification: Pathogenic for DNAI1-related disorders. Last evaluated: 2022-08-23. Review status: criteria provided, single submitter. Criteria: ACMG Guidelines, 2015. Collection method: clinical testing. Allele origin: germline. Affected: yes. Observed: 5 variant alleles.

UNC Molecular Genetics  Laboratory, University of North Carolina at Chapel Hill
Classification: Pathogenic for Primary ciliary dyskinesia. Last evaluated: 2019-12-30. Review status: criteria provided, single submitter. Criteria: ACMG Guidelines, 2015. Collection method: clinical testing. Allele origin: germline. Affected: yes. Observed: 1 compound heterozygote.

Fulgent Genetics
Classification: Pathogenic for Kartagener syndrome. Last evaluated: 2018-10-31. Review status: criteria provided, single submitter. Criteria: ACMG Guidelines, 2015. Collection method: clinical testing. Allele origin: unknown.

Illumina Laboratory Services, Illumina
Classification: Likely pathogenic for Kartagener syndrome. Last evaluated: 2018-10-31. Review status: criteria provided, single submitter. Criteria: ICSL Variant Classification Criteria 09 May 2019. Collection method: clinical testing. Allele origin: germline.
Comment: The DNAI1 c.1644G>A (p.Trp548Ter) variant is a stop-gained variant that is predicted to result in a premature termination of the protein. The p.Trp548Ter variant has been reported in a compound heterozygous state in two patients with neonatal respiratory distress and sinusitis as well as outer dynein arm defect on electron microscopy (Zariwala et al. 2006; Berg et al. 2011). Family studies for one patient found the p.Trp548Ter variant was inherited from the healthy father. The variant was absent from 113 control subjects and is reported at a frequency of 0.000071 in the European (non-Finnish) population of the Genome Aggregation Database. Based on the evidence in the literature and the potential impact of stop-gained variants, the p.Trp548Ter variant is classified as likely pathogenic for primary ciliary dyskinesia. This variant was observed by ICSL as part of a predisposition screen in an ostensibly healthy population.

Ambry Genetics
Classification: Pathogenic for Primary ciliary dyskinesia. Last evaluated: 2018-03-08. Review status: criteria provided, single submitter. Criteria: Ambry Variant Classification Scheme 2023. Collection method: clinical testing. Allele origin: germline.
Comment: The p.W548* pathogenic mutation (also known as c.1644G>A), located in coding exon 17 of the DNAI1 gene, results from a G to A substitution at nucleotide position 1644. This changes the amino acid from a tryptophan to a stop codon within coding exon 17. This mutation was confirmed in trans with a second DNAI1 mutation in an individual with primary ciliary dykinesia and outer dynein arm defects on electron microscopy (Zariwala MA et al. Am. J. Respir. Crit. Care Med., 2006 Oct;174:858-66). In addition to the clinical data presented in the literature, this alteration is expected to result in loss of function by premature protein truncation or nonsense-mediated mRNA decay. As such, this alteration is interpreted as a disease-causing mutation.

Literature cited by the submitters: PubMed 21270641 (cited by 4 submitters); PubMed 16858015 (cited by 4 submitters); PubMed 29363216 (cited by Labcorp Genetics (formerly Invitae), Labcorp).

NM_012144.4(DNAI1):c.1644G>A (p.Trp548Ter)

Gene: DNAI1 (dynein axonemal intermediate chain 1; plus strand). Cytogenetic location: 9p13.3.
Variant type: single nucleotide variant.
Coding change: c.1644G>A on transcript NM_012144.4 (MANE Select); coding-DNA position 1644, G replaced by A.
Protein change: p.Trp548Ter; replaces tryptophan 548 with a stop codon.
Molecular consequence: nonsense.
Genome position (GRCh38, 1-based): chr9:34,514,468, G>A. VCF-style: chr9-34514468-G-A. GRCh37 (hg19) VCF-style: chr9-34514466-G-A.
Other names: c.1656G>A, p.Trp552Ter (NM_001281428.2); c.1644G>A (NM_012144.2); short protein forms W548*, W552*.
Identifiers: ClinVar variation 240854 (VCV000240854.27), dbSNP rs200669099, ClinGen allele CA5034487.